The following is an entry in ClinVar:

ClinVar aggregate classification (germline): Uncertain significance (1 of 4 stars; one submission).

Conditions:
Periodontitis, aggressive. Identifiers: MedGen C0031106, MONDO:0980757.
Papillon-Lefèvre syndrome (PALS). Also called: KERATOSIS PALMOPLANTARIS WITH PERIODONTOPATHIA; Papillon-Lefevre Disease. Identifiers: Orphanet 678, MedGen C0030360, MONDO:0009490, OMIM 245000.
Haim-Munk syndrome (HMS). Also called: COCHIN JEWISH DISORDER; KERATOSIS PALMOPLANTARIS WITH PERIODONTOPATHIA AND ONYCHOGRYPOSIS. Identifiers: Orphanet 2342, MedGen C1855627, MONDO:0009491, OMIM 245010.

Allele frequency attached by ClinVar (database versions not stated): TOPMed 0.00001.

Submission:

Labcorp Genetics (formerly Invitae), Labcorp
Classification: Uncertain significance for Haim-Munk syndrome; Periodontitis, aggressive; Papillon-Lefèvre syndrome. Last evaluated: 2023-11-25. Review status: criteria provided, single submitter. Criteria: Invitae Variant Classification Sherloc (09022015). Collection method: clinical testing. Allele origin: germline.
Comment: This sequence change replaces glycine, which is neutral and non-polar, with valine, which is neutral and non-polar, at codon 297 of the CTSC protein (p.Gly297Val). This variant is present in population databases (no rsID available, gnomAD 0.0009%). This missense change has been observed in individual(s) with Papillon–Lefevre syndrome (PMID: 18945301). An algorithm developed to predict the effect of missense changes on protein structure and function (PolyPhen-2) suggests that this variant is likely to be disruptive. Algorithms developed to predict the effect of sequence changes on RNA splicing suggest that this variant may disrupt the consensus splice site. In summary, the available evidence is currently insufficient to determine the role of this variant in disease. Therefore, it has been classified as a Variant of Uncertain Significance.

Literature cited by the submitters: PubMed 18945301.

NM_001814.6(CTSC):c.890G>T (p.Gly297Val)

Gene: CTSC (cathepsin C; minus strand). Cytogenetic location: 11q14.2.
Variant type: single nucleotide variant.
Coding change: c.890G>T on transcript NM_001814.6 (MANE Select); coding-DNA position 890, G replaced by T.
Protein change: p.Gly297Val; replaces glycine 297 with valine.
Molecular consequence: missense variant.
Genome position (GRCh38, 1-based): chr11:88,294,508, C>A on the plus strand (G>T on the coding strand, the complement: CTSC is on the minus strand). VCF-style: chr11-88294508-C-A. GRCh37 (hg19) VCF-style: chr11-88027676-C-A.
Other names: short protein forms G297V.
Identifiers: ClinVar variation 2925488 (VCV002925488.3), dbSNP rs933695423, ClinGen allele CA225417432.